The following is an entry in ClinVar:

ClinVar aggregate classification (germline): Uncertain significance. Review status: criteria provided, multiple submitters, no conflicts (2 of 4 stars). 2 submissions from 2 submitters: Uncertain significance (2). Last evaluated 2024-02-04.

Conditions:
Inborn genetic diseases. Identifiers: MedGen C0950123, MeSH D030342.
Charcot-Marie-Tooth disease axonal type 2C (HMSN2C). Also called: CHARCOT-MARIE-TOOTH DISEASE, AXONAL, AUTOSOMAL DOMINANT, TYPE 2C; Charcot-Marie-Tooth Neuropathy Type 2C; Charcot-Marie-Tooth Disease Type 2, TRPV4-Related (CMT2C). Identifiers: Orphanet 99937, MedGen C1853710, MONDO:0011633, OMIM 606071.

Allele frequency attached by ClinVar (database versions not stated): gnomAD exomes below 0.00001; gnomAD 0.00001; TOPMed below 0.00001.
gnomAD v4.1: 2 of 1,611,698 alleles (0.00012%); highest among the groups gnomAD compares: Non-Finnish European, 0.00017%; no homozygotes.

Submissions (2):

Labcorp Genetics (formerly Invitae), Labcorp
Classification: Uncertain significance for Charcot-Marie-Tooth disease axonal type 2C. Last evaluated: 2024-02-04. Review status: criteria provided, single submitter. Criteria: Invitae Variant Classification Sherloc (09022015). Collection method: clinical testing. Allele origin: germline.
Comment: This sequence change replaces histidine, which is basic and polar, with arginine, which is basic and polar, at codon 243 of the TRPV4 protein (p.His243Arg). This variant is present in population databases (no rsID available, gnomAD 0.007%). This variant has not been reported in the literature in individuals affected with TRPV4-related conditions. ClinVar contains an entry for this variant (Variation ID: 1758092). Advanced modeling of protein sequence and biophysical properties (such as structural, functional, and spatial information, amino acid conservation, physicochemical variation, residue mobility, and thermodynamic stability) performed at Invitae indicates that this missense variant is expected to disrupt TRPV4 protein function with a positive predictive value of 80%. In summary, the available evidence is currently insufficient to determine the role of this variant in disease. Therefore, it has been classified as a Variant of Uncertain Significance.

Ambry Genetics
Classification: Uncertain significance for Inborn genetic diseases. Last evaluated: 2020-02-21. Review status: criteria provided, single submitter. Criteria: Ambry Variant Classification Scheme 2023. Collection method: clinical testing. Allele origin: germline.
Comment: The p.H243R variant (also known as c.728A>G), located in coding exon 4 of the TRPV4 gene, results from an A to G substitution at nucleotide position 728. The histidine at codon 243 is replaced by arginine, an amino acid with highly similar properties. This amino acid position is highly conserved in available vertebrate species. In addition, this alteration is predicted to be deleterious by in silico analysis. Since supporting evidence is limited at this time, the clinical significance of this alteration remains unclear.

NM_021625.5(TRPV4):c.728A>G (p.His243Arg)

Gene: TRPV4 (transient receptor potential cation channel subfamily V member 4; minus strand). Cytogenetic location: 12q24.11.
Variant type: single nucleotide variant.
Coding change: c.728A>G on transcript NM_021625.5 (MANE Select); coding-DNA position 728, A replaced by G.
Protein change: p.His243Arg; replaces histidine 243 with arginine.
Molecular consequence: missense variant. On other transcripts: intron variant (2).
Genome position (GRCh38, 1-based): chr12:109,800,743, T>C on the plus strand (A>G on the coding strand, the complement: TRPV4 is on the minus strand). VCF-style: chr12-109800743-T-C. GRCh37 (hg19) VCF-style: chr12-110238548-T-C.
Other names: c.626A>G, p.His209Arg (NM_001177431.2); c.728A>G, p.His243Arg (NM_147204.3); c.713-1831A>G (NM_001177433.1, NM_001177428.1); short protein forms H243R, H209R.
Identifiers: ClinVar variation 1758092 (VCV001758092.4), dbSNP rs1377456229, ClinGen allele CA386655484.